The following is an entry in ClinVar:

NM_020937.4(FANCM):c.5045A>C (p.Asp1682Ala)

Gene: FANCM (FA complementation group M; plus strand). Cytogenetic location: 14q21.2.
Variant type: single nucleotide variant.
Coding change: c.5045A>C on transcript NM_020937.4 (MANE Select); coding-DNA position 5045, A replaced by C.
Protein change: p.Asp1682Ala; replaces aspartic acid 1682 with alanine.
Molecular consequence: missense variant.
Genome position (GRCh38, 1-based): chr14:45,189,067, A>C. VCF-style: chr14-45189067-A-C. GRCh37 (hg19) VCF-style: chr14-45658270-A-C.
Other names: c.4967A>C, p.Asp1656Ala (NM_001308133.2); short protein forms D1656A, D1682A.
Identifiers: ClinVar variation 1433164 (VCV001433164.7), dbSNP rs2139296568, ClinGen allele CA389612125.

ClinVar aggregate classification (germline): Uncertain significance. Review status: criteria provided, multiple submitters, no conflicts (2 of 4 stars). 2 submissions from 2 submitters: Uncertain significance (2). Last evaluated 2022-04-19.

Conditions:
Spermatogenic failure 28. Identifiers: MedGen C4748117, MONDO:0054732, OMIM 618086.
Premature ovarian failure 15. Identifiers: MedGen C4748170, MONDO:0054862, OMIM 618096.
Fanconi anemia (FA). Also called: Fanconi's anemia. Identifiers: Orphanet 84, MedGen C0015625, MeSH D005199, MONDO:0019391.

gnomAD v4.1: 11 of 1,614,186 alleles (0.00068%); highest among the groups gnomAD compares: Non-Finnish European, 0.00093%; no homozygotes.

Submissions (2):

Fulgent Genetics
Classification: Uncertain significance for Spermatogenic failure 28; Premature ovarian failure 15. Last evaluated: 2022-04-19. Review status: criteria provided, single submitter. Criteria: ACMG Guidelines, 2015. Collection method: clinical testing. Allele origin: unknown.

Labcorp Genetics (formerly Invitae), Labcorp
Classification: Uncertain significance for Fanconi anemia. Last evaluated: 2021-08-19. Review status: criteria provided, single submitter. Criteria: Invitae Variant Classification Sherloc (09022015). Collection method: clinical testing. Allele origin: germline.
Comment: In summary, the available evidence is currently insufficient to determine the role of this variant in disease. Therefore, it has been classified as a Variant of Uncertain Significance. Algorithms developed to predict the effect of missense changes on protein structure and function are either unavailable or do not agree on the potential impact of this missense change (SIFT: "Tolerated"; PolyPhen-2: "Possibly Damaging"; Align-GVGD: "Class C0"). This variant has not been reported in the literature in individuals affected with FANCM-related conditions. This variant is not present in population databases (ExAC no frequency). This sequence change replaces aspartic acid with alanine at codon 1682 of the FANCM protein (p.Asp1682Ala). The aspartic acid residue is weakly conserved and there is a moderate physicochemical difference between aspartic acid and alanine.